The following is an entry in ClinVar:

ClinVar aggregate classification (germline): Uncertain significance. Review status: criteria provided, multiple submitters, no conflicts (2 of 4 stars). 2 submissions from 2 submitters: Uncertain significance (2). Last evaluated 2023-12-17.

Conditions:
Hypertrophic cardiomyopathy. Also called: HYPERTROPHIC MYOCARDIOPATHY. Identifiers: Orphanet 217569, MedGen C0007194, MeSH D002312, MONDO:0005045, HP:0001639.

Submissions (2):

Labcorp Genetics (formerly Invitae), Labcorp
Classification: Uncertain significance for Hypertrophic cardiomyopathy. Last evaluated: 2023-12-17. Review status: criteria provided, single submitter. Criteria: Invitae Variant Classification Sherloc (09022015). Collection method: clinical testing. Allele origin: germline.
Comment: This sequence change replaces leucine, which is neutral and non-polar, with valine, which is neutral and non-polar, at codon 71 of the TPM1 protein (p.Leu71Val). This variant is not present in population databases (gnomAD no frequency). This missense change has been observed in individual(s) with hypertrophic cardiomyopathy (PMID: 28138913). ClinVar contains an entry for this variant (Variation ID: 181670). An algorithm developed to predict the effect of missense changes on protein structure and function (PolyPhen-2) suggests that this variant is likely to be disruptive. In summary, the available evidence is currently insufficient to determine the role of this variant in disease. Therefore, it has been classified as a Variant of Uncertain Significance.

GeneDx
Classification: Uncertain significance. Last evaluated: 2019-05-20. Review status: criteria provided, single submitter. Criteria: GeneDx Variant Classification Process June 2021. Collection method: clinical testing. Allele origin: germline. Affected: yes.
Comment: Not observed in large population cohorts (Lek et al., 2016); In silico analysis, which includes protein predictors and evolutionary conservation, supports that this variant does not alter protein structure/function; This variant is associated with the following publications: (PMID: 28138913)

Literature cited by the submitters: PubMed 28138913 (cited by Labcorp Genetics (formerly Invitae), Labcorp).

NM_001018005.2(TPM1):c.211C>G (p.Leu71Val)

Gene: TPM1 (tropomyosin 1; plus strand). Cytogenetic location: 15q22.2.
Variant type: single nucleotide variant.
Coding change: c.211C>G on transcript NM_001018005.2 (MANE Select); coding-DNA position 211, C replaced by G.
Protein change: p.Leu71Val; replaces leucine 71 with valine.
Molecular consequence: missense variant. On other transcripts: intron variant (3).
Genome position (GRCh38, 1-based): chr15:63,044,123, C>G. VCF-style: chr15-63044123-C-G. GRCh37 (hg19) VCF-style: chr15-63336322-C-G.
Other names: p.L71V:CTG>GTG; c.211C>G, p.Leu71Val (NM_000366.6, NM_001018004.2, NM_001018006.2 and 3 more transcripts); c.337C>G, p.Leu113Val (NM_001365778.1); c.240+292C>G (NM_001018020.2, NM_001018007.2, NM_001301244.2); short protein forms L71V, L113V.
Identifiers: ClinVar variation 181670 (VCV000181670.8), dbSNP rs730881143, ClinGen allele CA018723.